The following is an entry in ClinVar:

ClinVar aggregate classification (germline): Conflicting classifications of pathogenicity. Review status: criteria provided, conflicting classifications (1 of 4 stars). 2 submissions from 2 submitters: Uncertain significance (1); Likely benign (1). Last evaluated 2025-11-04.

Conditions:
Gorlin syndrome. Also called: Nevoid Basal Cell Carcinoma Syndrome; Basal cell nevus syndrome. Identifiers: Orphanet 377, MedGen C0004779, MONDO:0007187.

Allele frequency attached by ClinVar (database versions not stated): gnomAD 0.00001; TOPMed 0.00002.
gnomAD v4.1: 3 of 1,614,016 alleles (0.00019%); highest among the groups gnomAD compares: African/African-American, 0.004%; no homozygotes.

Submissions (2):

Labcorp Genetics (formerly Invitae), Labcorp
Classification: Likely benign for Gorlin syndrome. Last evaluated: 2025-11-04. Review status: criteria provided, single submitter. Criteria: Invitae Variant Classification Sherloc (09022015). Collection method: clinical testing. Allele origin: germline.

Quest Diagnostics Nichols Institute San Juan Capistrano
Classification: Uncertain significance. Last evaluated: 2023-01-05. Review status: criteria provided, single submitter. Criteria: Quest Diagnostics criteria. Collection method: clinical testing. Allele origin: unknown.
Comment: To the best of our knowledge, the variant has not been reported in the published literature. The frequency of this variant in the general population, 0.000013 (2/152164 chromosomes), is uninformative in assessment of its pathogenicity. Analysis of this variant using software algorithms for the prediction of the effect of nucleotide changes on splicing yielded predictions that this variant does not affect PTCH1 mRNA splicing . Based on the available information, we are unable to determine the clinical significance of this variant.

NM_000264.5(PTCH1):c.395-8T>A

Gene: PTCH1 (patched 1; minus strand). Cytogenetic location: 9q22.32.
Variant type: single nucleotide variant.
Coding change: c.395-8T>A on transcript NM_000264.5 (MANE Select); 8 bases into the intron before coding-DNA position 395, T replaced by A.
Molecular consequence: intron variant.
Genome position (GRCh38, 1-based): chr9:95,485,882, A>T on the plus strand (T>A on the coding strand, the complement: PTCH1 is on the minus strand). VCF-style: chr9-95485882-A-T. GRCh37 (hg19) VCF-style: chr9-98248164-A-T.
Other names: c.395-8T>A (NM_000264.4, NM_001354918.2); c.392-8T>A (NM_001083603.3); c.197-8T>A (NM_001083602.3, NM_001354919.2); c.-59-8T>A (NM_001083605.3, NM_001083604.3, NM_001083606.3 and 1 more transcripts).
Identifiers: ClinVar variation 846541 (VCV000846541.11), dbSNP rs755013836, ClinGen allele CA196537146.